The following is an entry in ClinVar:

NM_003072.5(SMARCA4):c.4251C>T (p.Ser1417=)

Gene: SMARCA4 (SWI/SNF related BAF chromatin remodeling complex subunit ATPase 4; plus strand). Cytogenetic location: 19p13.2.
Variant type: single nucleotide variant.
Coding change: c.4251C>T on transcript NM_003072.5 (MANE Select); coding-DNA position 4251, C replaced by T.
Protein change: p.Ser1417=; no amino-acid change (serine 1417 retained).
Molecular consequence: synonymous variant. On other transcripts: non-coding transcript variant (1).
Genome position (GRCh38, 1-based): chr19:11,041,387, C>T. VCF-style: chr19-11041387-C-T. GRCh37 (hg19) VCF-style: chr19-11152063-C-T.
Other names: c.4251C>T, p.Ser1417= (NM_001128844.3); c.4161C>T, p.Ser1387= (NM_001128845.2, NM_001128846.2); c.4152C>T, p.Ser1384= (NM_001128847.4, NM_001128848.2, NM_001374457.1); c.4347C>T, p.Ser1449= (NM_001128849.3, NM_001387283.1).
Identifiers: ClinVar variation 238466 (VCV000238466.29), dbSNP rs377057304, ClinGen allele CA9204682.

ClinVar aggregate classification (germline): Benign/Likely benign. Review status: criteria provided, multiple submitters, no conflicts (2 of 4 stars). 7 submissions from 7 submitters: Benign (2); Likely benign (4). 1 of the submissions does not count toward it. Last evaluated 2026-07-08.

Conditions:
SMARCA4-related disorder. Also called: SMARCA4-related condition.
Hereditary cancer-predisposing syndrome. Also called: Hereditary Cancer Syndrome; Tumor predisposition; Hereditary neoplastic syndrome; Neoplastic Syndromes, Hereditary. Identifiers: Orphanet 140162, MedGen C0027672, MeSH D009386, MONDO:0015356.
Intellectual disability, autosomal dominant 16 (CSS4). Also called: COFFIN-SIRIS SYNDROME 4. Identifiers: Orphanet 1465, MedGen C3553249, MONDO:0013821, OMIM 614609.
Rhabdoid tumor predisposition syndrome 2 (RTPS2). Identifiers: Orphanet 231108, Orphanet 69077, MedGen C2750074, MONDO:0013224, OMIM 613325.

Allele frequency attached by ClinVar (database versions not stated): gnomAD exomes 0.00012 and 0.00007; gnomAD 0.00002 and 0.00001; ESP Exome Variant Server 0.00008; ExAC 0.00016; 1000 Genomes Project 30x 0.00031; TOPMed 0.00001; 1000 Genomes Project 0.00040.
gnomAD v4.1: 108 of 1,612,490 alleles (0.0067%); highest among the groups gnomAD compares: South Asian, 0.085%; 1 homozygote.

Submissions (7):

Myriad Genetics, Inc.
Classification: Likely benign for Rhabdoid tumor predisposition syndrome 2. Last evaluated: 2026-07-08. Review status: criteria provided, single submitter. Criteria: Myriad Autosomal Dominant, Autosomal Recessive and X-Linked Classification Criteria (2023). Collection method: clinical testing. Allele origin: unknown.
Comment: This variant is considered likely benign. This variant is a silent/synonymous amino acid change and it is not expected to impact splicing. This variant has been observed at a population frequency that is significantly greater than expected given the associated disease prevalence and penetrance.

Labcorp Genetics (formerly Invitae), Labcorp
Classification: Benign for Rhabdoid tumor predisposition syndrome 2. Last evaluated: 2026-01-27. Review status: criteria provided, single submitter. Criteria: Invitae Variant Classification Sherloc (09022015). Collection method: clinical testing. Allele origin: germline.

CeGaT Center for Human Genetics Tuebingen
Classification: Likely benign. Last evaluated: 2025-08-01. Review status: criteria provided, single submitter. Criteria: CeGaT Center For Human Genetics Tuebingen Variant Classification Criteria Version 2. Collection method: clinical testing. Allele origin: germline. Affected: yes. Observed: 1 variant allele.
Comment: SMARCA4: BP4, BP7

Blueprint Genetics
Classification: Likely benign. Last evaluated: 2024-02-07. Review status: criteria provided, single submitter. Criteria: ACMG Guidelines, 2015. Collection method: clinical testing. Allele origin: germline.

Genome-Nilou Lab
Classification: Benign for Intellectual disability, autosomal dominant 16. Last evaluated: 2021-07-15. Review status: criteria provided, single submitter. Criteria: ACMG Guidelines, 2015. Collection method: clinical testing. Allele origin: germline. Affected: no.

Ambry Genetics
Classification: Likely benign for Hereditary cancer-predisposing syndrome. Last evaluated: 2016-05-25. Review status: criteria provided, single submitter. Criteria: Ambry Variant Classification Scheme 2023. Collection method: clinical testing. Allele origin: germline.

PreventionGenetics, part of Exact Sciences
Classification: Likely benign for SMARCA4-related condition. Last evaluated: 2021-10-19. Review status: no assertion criteria provided. Collection method: clinical testing. Allele origin: germline. Not counted in ClinVar's aggregate classification.
Comment: This variant is classified as likely benign based on ACMG/AMP sequence variant interpretation guidelines (Richards et al. 2015 PMID: 25741868, with internal and published modifications).